The following is an entry in ClinVar:

ClinVar aggregate classification (germline): Benign (0 of 4 stars; one submission).

Conditions:
TNS1-related disorder. Also called: TNS1-related condition.

Allele frequency attached by ClinVar (database versions not stated): gnomAD exomes 0.00425; ExAC 0.01405; gnomAD 0.04323; 1000 Genomes Project 0.04413; 1000 Genomes Project 30x 0.04778; TOPMed 0.04790; ESP Exome Variant Server 0.04898.
gnomAD v4.1: 13,058 of 1,613,620 alleles (0.81%); highest among the groups gnomAD compares: African/African-American, 15%; 915 homozygotes.

Submission:

PreventionGenetics, part of Exact Sciences
Classification: Benign for TNS1-related condition. Last evaluated: 2019-09-24. Review status: no assertion criteria provided. Collection method: clinical testing. Allele origin: germline.
Comment: This variant is classified as benign based on ACMG/AMP sequence variant interpretation guidelines (Richards et al. 2015 PMID: 25741868, with internal and published modifications).

NM_001387777.1(TNS1):c.4558G>A (p.Ala1520Thr)

Gene: TNS1 (tensin 1; minus strand). Cytogenetic location: 2q35.
Variant type: single nucleotide variant.
Coding change: c.4558G>A on transcript NM_001387777.1 (MANE Select); coding-DNA position 4558, G replaced by A.
Protein change: p.Ala1520Thr; replaces alanine 1520 with threonine.
Molecular consequence: missense variant.
Genome position (GRCh38, 1-based): chr2:217,817,774, C>T on the plus strand (G>A on the coding strand, the complement: TNS1 is on the minus strand). VCF-style: chr2-217817774-C-T. GRCh37 (hg19) VCF-style: chr2-218682497-C-T.
Other names: c.4207G>A, p.Ala1403Thr (NM_001308022.2); c.4183G>A, p.Ala1395Thr (NM_001308023.2); c.4246G>A, p.Ala1416Thr (NM_022648.7); short protein forms A1395T, A1403T, A1416T, A1520T.
Identifiers: ClinVar variation 3057094 (VCV003057094.2), dbSNP rs61746065, ClinGen allele CA2099590.